The following is an entry in ClinVar:

ClinVar aggregate classification (germline): Conflicting classifications of pathogenicity. Review status: criteria provided, conflicting classifications (1 of 4 stars). 3 submissions from 3 submitters: Likely pathogenic (2); Uncertain significance (1). Last evaluated 2025-05-30.

Conditions:
Classic homocystinuria. Also called: Homocystinuria due to CBS deficiency; Cystathionine beta-synthase deficiency; CBS deficiency; HOMOCYSTINURIA WITH OR WITHOUT RESPONSE TO PYRIDOXINE; Homocystinuria due to Cystathionine Beta-Synthase Deficiency. Identifiers: Orphanet 394, MedGen C0751202, MONDO:0009352, OMIM 236200.
HYPERHOMOCYSTEINEMIA, THROMBOTIC, CBS-RELATED. Identifiers: MedGen C3150344, OMIM 236200.
CBS-related disorder. Also called: CBS-related condition.

Submissions (3):

PreventionGenetics, part of Exact Sciences
Classification: Likely pathogenic for CBS-related condition. Last evaluated: 2025-05-30. Review status: criteria provided, single submitter. Criteria: ACMG Guidelines, 2015. Collection method: clinical testing. Allele origin: germline.
Comment: The CBS c.808_810delGAG variant is predicted to result in an in-frame deletion (p.Glu270del). This variant has been reported in the homozygous state and shown to co-segregate with disease in three individuals from two apparently unrelated Pakistani families with autosomal recessive hyperhomocystinemia (Ibrahim et al. 2018. PubMed ID: 29600437; Wasim et al. 2021. PubMed ID: 34905667). This variant is reported in 0.0033% of alleles in individuals of South Asian descent in gnomAD. Taken together, this variant is interpreted as likely pathogenic.

Baylor Genetics
Classification: Likely pathogenic for Classic homocystinuria. Last evaluated: 2023-10-22. Review status: criteria provided, single submitter. Criteria: ACMG Guidelines, 2015. Collection method: clinical testing. Allele origin: unknown.

Labcorp Genetics (formerly Invitae), Labcorp
Classification: Uncertain significance for HYPERHOMOCYSTEINEMIA, THROMBOTIC, CBS-RELATED. Last evaluated: 2022-03-28. Review status: criteria provided, single submitter. Criteria: Invitae Variant Classification Sherloc (09022015). Collection method: clinical testing. Allele origin: germline.
Comment: This variant, c.808_810del, results in the deletion of 1 amino acid(s) of the CBS protein (p.Glu270del), but otherwise preserves the integrity of the reading frame. This variant is present in population databases (rs760710691, gnomAD 0.003%). This variant has been observed in individual(s) with CBS-related conditions (PMID: 10338090, 29600437). Experimental studies and prediction algorithms are not available or were not evaluated, and the functional significance of this variant is currently unknown. In summary, the available evidence is currently insufficient to determine the role of this variant in disease. Therefore, it has been classified as a Variant of Uncertain Significance.

Literature cited by the submitters: PubMed 10338090 (cited by Labcorp Genetics (formerly Invitae), Labcorp); PubMed 29600437 (cited by Labcorp Genetics (formerly Invitae), Labcorp).

NM_000071.3(CBS):c.808_810del (p.Glu270del)

Gene: CBS (cystathionine beta-synthase; minus strand). Cytogenetic location: 21q22.3.
Variant type: Deletion.
Coding change: c.808_810del on transcript NM_000071.3 (MANE Select); coding-DNA positions 808 to 810, 3 bases deleted (GAG; older notation c.808_810delGAG).
Protein change: p.Glu270del; deletes glutamic acid 270.
Molecular consequence: inframe deletion.
Genome position (GRCh38, 1-based): chr21:43,063,918-43,063,920, CTC deleted on the plus strand (GAG on the coding strand, the reverse complement: CBS is on the minus strand); deleting any 3 consecutive bases within chr21:43,063,918-43,063,922 gives the same sequence; the c. name uses the placement nearest the transcript's 3' end. VCF-style (leftmost placement, unchanged base first): chr21-43063917-TCTC-T. GRCh37 (hg19) VCF-style: chr21-44484027-TCTC-T.
Other names: c.808_810del, p.Glu270del (NM_001178008.3, NM_001178009.3, NM_001320298.2); c.493_495del, p.Glu165del (NM_001321072.1); c.808_810delGAG (NM_000071.2); short protein forms E165del, E270del.
Identifiers: ClinVar variation 1388235 (VCV001388235.7), dbSNP rs760710691, ClinGen allele CA321094222.